The following is an entry in ClinVar:

NM_001267550.2(TTN):c.14502A>G (p.Ala4834=)

Gene: TTN (titin; minus strand). Cytogenetic location: 2q31.2.
Variant type: single nucleotide variant.
Coding change: c.14502A>G on transcript NM_001267550.2 (MANE Select); coding-DNA position 14502, A replaced by G.
Protein change: p.Ala4834=; no amino-acid change (alanine 4834 retained).
Molecular consequence: synonymous variant. On other transcripts: intron variant (3).
Genome position (GRCh38, 1-based): chr2:178,735,944, T>C on the plus strand (A>G on the coding strand, the complement: TTN is on the minus strand). VCF-style: chr2-178735944-T-C. GRCh37 (hg19) VCF-style: chr2-179600671-T-C.
Other names: c.13551A>G, p.Ala4517= (NM_001256850.1); c.10770A>G, p.Ala3590= (NM_133378.4); c.13282+2138A>G (NM_003319.4); c.13858+2138A>G (NM_133437.4); c.13657+2138A>G (NM_133432.3).
Identifiers: ClinVar variation 466827 (VCV000466827.41), dbSNP rs779926164, ClinGen allele CA2002387.
Genomic context (GRCh38, chr2:178,735,944, plus strand): 5'-GAGTTCTAAAATGTGTTTGTTTTCTGCGTCGGAAATCCTCCAGTTAGGTGAAGGTGAGAG[T>C]GCAGCACCATCTTTCTGCCAAATGGTTTCTATCACAGGAGTCCCTGTCACTGTGCAGATG-3'
Protein context (NP_001254479.2, residues 4824-4844): IETIWQKDGA[Ala4834=]LSPSPNWRIS

ClinVar aggregate classification (germline): Likely benign. Review status: criteria provided, multiple submitters, no conflicts (2 of 4 stars). 6 submissions from 6 submitters: Likely benign (5). 1 of the submissions does not count toward it. Last evaluated 2025-12-21.

Conditions:
TTN-related disorder. Also called: TTN-related disorders; TTN-related condition; TTN-related disease.
Dilated cardiomyopathy 1G (CMD1G). Identifiers: Orphanet 154, MedGen C1858763, MONDO:0011400, OMIM 604145.
Autosomal recessive limb-girdle muscular dystrophy type 2J (LGMDR10). Also called: Limb-girdle muscular dystrophy, type 2J; MUSCULAR DYSTROPHY, LIMB-GIRDLE, AUTOSOMAL RECESSIVE 10. Identifiers: Orphanet 140922, MedGen C1837342, MONDO:0012127, OMIM 608807.

Allele frequency attached by ClinVar (database versions not stated): gnomAD exomes 0.00001; ExAC 0.00002; gnomAD 0.00002; TOPMed 0.00002.
gnomAD v4.1: 22 of 1,613,682 alleles (0.0014%); highest among the groups gnomAD compares: East Asian, 0.016%; 1 homozygote.

Submissions (6):

Labcorp Genetics (formerly Invitae), Labcorp
Classification: Likely benign for Dilated cardiomyopathy 1G; Autosomal recessive limb-girdle muscular dystrophy type 2J. Last evaluated: 2025-12-21. Review status: criteria provided, single submitter. Criteria: Invitae Variant Classification Sherloc (09022015). Collection method: clinical testing. Allele origin: germline.

Blueprint Genetics
Classification: Likely benign. Last evaluated: 2024-10-09. Review status: criteria provided, single submitter. Criteria: ACMG Guidelines, 2015. Collection method: clinical testing. Allele origin: germline.

CeGaT Center for Human Genetics Tuebingen
Classification: Likely benign. Last evaluated: 2023-03-01. Review status: criteria provided, single submitter. Criteria: CeGaT Center For Human Genetics Tuebingen Variant Classification Criteria Version 2. Collection method: clinical testing. Allele origin: germline. Affected: yes. Observed: 1 variant allele.
Comment: TTN: BP4, BP7

Women's Health and Genetics/Laboratory Corporation of America, LabCorp
Classification: Likely benign. Last evaluated: 2022-10-22. Review status: criteria provided, single submitter. Criteria: LabCorp Variant Classification Summary - May 2015. Collection method: clinical testing. Allele origin: germline.

GeneDx
Classification: Likely benign. Last evaluated: 2018-07-09. Review status: criteria provided, single submitter. Criteria: GeneDx Variant Classification Process June 2021. Collection method: clinical testing. Allele origin: germline. Affected: yes.

PreventionGenetics, part of Exact Sciences
Classification: Likely benign for TTN-related condition. Last evaluated: 2023-12-27. Review status: no assertion criteria provided. Collection method: clinical testing. Allele origin: germline. Not counted in ClinVar's aggregate classification.
Comment: This variant is classified as likely benign based on ACMG/AMP sequence variant interpretation guidelines (Richards et al. 2015 PMID: 25741868, with internal and published modifications).